The following is an entry in ClinVar:

NM_001267550.2(TTN):c.1759_1763del (p.Thr587fs)

Gene: TTN (titin; minus strand). Cytogenetic location: 2q31.2.
Variant type: Deletion.
Coding change: c.1759_1763del on transcript NM_001267550.2 (MANE Select); coding-DNA positions 1759 to 1763, 5 bases deleted (ACTAC; older notation c.1759_1763delACTAC).
Protein change: p.Thr587fs; shifts the reading frame from threonine 587.
Molecular consequence: frameshift variant. On other transcripts: intron variant (3).
Genome position (GRCh38, 1-based): chr2:178,790,745-178,790,749, GTAGT deleted on the plus strand (ACTAC on the coding strand, the reverse complement: TTN is on the minus strand). VCF-style (leftmost placement, unchanged base first): chr2-178790744-GGTAGT-G. GRCh37 (hg19) VCF-style: chr2-179655471-GGTAGT-G.
Other names: c.1759_1763del, p.Thr587fs (NM_001256850.1, NM_133378.4, NM_133379.5); c.1663-634_1663-630del (NM_003319.4, NM_133437.4, NM_133432.3); short protein forms T587fs.
Identifiers: ClinVar variation 1345409 (VCV001345409.6), dbSNP rs1024367270, ClinGen allele CA60984241.
Genomic context (GRCh38, chr2:178,790,744, plus strand): 5'-TTCACATTGGCAGGAAGTCATCACCTTTTCATAACTTAGGTGCATTTGATCTTGTTGTGT[GGTAGT>G]TTCTTCTTGAGCTCCCGGGACTGTTTCTAGTTTTGTGGACTTTGCAGTGGCAACTACCAC-3'

ClinVar aggregate classification (germline): Likely pathogenic (1 of 4 stars; one submission).

Conditions:
Dilated cardiomyopathy 1G (CMD1G). Identifiers: Orphanet 154, MedGen C1858763, MONDO:0011400, OMIM 604145.
Autosomal recessive limb-girdle muscular dystrophy type 2J (LGMDR10). Also called: Limb-girdle muscular dystrophy, type 2J; MUSCULAR DYSTROPHY, LIMB-GIRDLE, AUTOSOMAL RECESSIVE 10. Identifiers: Orphanet 140922, MedGen C1837342, MONDO:0012127, OMIM 608807.

Allele frequency attached by ClinVar (database versions not stated): TOPMed 0.00002.

Submission:

Labcorp Genetics (formerly Invitae), Labcorp
Classification: Likely pathogenic for Dilated cardiomyopathy 1G; Autosomal recessive limb-girdle muscular dystrophy type 2J. Last evaluated: 2025-04-17. Review status: criteria provided, single submitter. Criteria: Invitae Variant Classification Sherloc (09022015). Collection method: clinical testing. Allele origin: germline.
Comment: This sequence change creates a premature translational stop signal (p.Thr587Hisfs*11) in the TTN gene. While this is not anticipated to result in nonsense mediated decay, it is expected to create a truncated TTN protein. This variant is not present in population databases (gnomAD no frequency). This variant has not been observed in the literature in individuals with autosomal recessive TTN-related conditions. This variant has been reported in individual(s) with dilated cardiomyopathy (internal data); however, the role of the variant in this condition is currently unclear. ClinVar contains an entry for this variant (Variation ID: 1345409). Algorithms developed to predict the effect of sequence changes on RNA splicing suggest that this variant may disrupt the consensus splice site. This variant is located in the Z band of TTN (PMID: 25589632). Truncating variants in this region have been reported in individuals affected with autosomal recessive centronuclear myopathy (PMID: 33449170, internal data). Truncating variants in this region have also been identified in individuals affected with autosomal dominant dilated cardiomyopathy and/or cardio-related conditions (PMID: 27869827, 32964742, internal data). In summary, the currently available evidence indicates that the variant is pathogenic, but additional data are needed to prove that conclusively. Therefore, this variant has been classified as Likely Pathogenic.

Literature cited by the submitters: PubMed 25589632; PubMed 33449170; PubMed 27869827; PubMed 32964742.